The following is an entry in ClinVar:

ClinVar aggregate classification (germline): Uncertain significance. Review status: criteria provided, multiple submitters, no conflicts (2 of 4 stars). 4 submissions from 4 submitters: Uncertain significance (4). Last evaluated 2025-10-22.

Conditions:
Inborn genetic diseases. Identifiers: MedGen C0950123, MeSH D030342.

Allele frequency attached by ClinVar (database versions not stated): TOPMed 0.00012; gnomAD 0.00014 and 0.00017; 1000 Genomes Project 30x 0.00016; 1000 Genomes Project 0.00020; gnomAD exomes 0.00033 and 0.00040; ExAC 0.00040.
gnomAD v4.1: 606 of 1,613,118 alleles (0.038%); highest among the groups gnomAD compares: Non-Finnish European, 0.048%; no homozygotes.

Submissions (4):

Labcorp Genetics (formerly Invitae), Labcorp
Classification: Uncertain significance. Last evaluated: 2025-10-22. Review status: criteria provided, single submitter. Criteria: Invitae Variant Classification Sherloc (09022015). Collection method: clinical testing. Allele origin: germline.
Comment: This sequence change replaces alanine, which is neutral and non-polar, with valine, which is neutral and non-polar, at codon 48 of the KIAA0753 protein (p.Ala48Val). This variant is present in population databases (rs201429668, gnomAD 0.06%). This variant has not been reported in the literature in individuals affected with KIAA0753-related conditions. ClinVar contains an entry for this variant (Variation ID: 1207319). An algorithm developed to predict the effect of missense changes on protein structure and function (PolyPhen-2) suggests that this variant is likely to be disruptive. In summary, the available evidence is currently insufficient to determine the role of this variant in disease. Therefore, it has been classified as a Variant of Uncertain Significance.

GeneDx
Classification: Uncertain significance. Last evaluated: 2025-04-28. Review status: criteria provided, single submitter. Criteria: GeneDx Variant Classification Process June 2021. Collection method: clinical testing. Allele origin: germline. Affected: yes.
Comment: In silico analysis indicates that this missense variant does not alter protein structure/function; Has not been previously published as pathogenic or benign to our knowledge

Ambry Genetics
Classification: Uncertain significance for Inborn genetic diseases. Last evaluated: 2024-11-06. Review status: criteria provided, single submitter. Criteria: Ambry Variant Classification Scheme 2023. Collection method: clinical testing. Allele origin: germline.

Blueprint Genetics
Classification: Uncertain significance. Last evaluated: 2024-11-06. Review status: criteria provided, single submitter. Criteria: ACMG Guidelines, 2015. Collection method: clinical testing. Allele origin: germline.

NM_014804.3(KIAA0753):c.143C>T (p.Ala48Val)

Gene: KIAA0753 (KIAA0753; minus strand). Cytogenetic location: 17p13.1.
Variant type: single nucleotide variant.
Coding change: c.143C>T on transcript NM_014804.3 (MANE Select); coding-DNA position 143, C replaced by T.
Protein change: p.Ala48Val; replaces alanine 48 with valine.
Molecular consequence: missense variant. On other transcripts: 5 prime UTR variant (1), non-coding transcript variant (3).
Genome position (GRCh38, 1-based): chr17:6,628,692, G>A on the plus strand (C>T on the coding strand, the complement: KIAA0753 is on the minus strand). VCF-style: chr17-6628692-G-A. GRCh37 (hg19) VCF-style: chr17-6532012-G-A.
Other names: c.-1092C>T (NM_001351225.2); short protein forms A48V.
Identifiers: ClinVar variation 1207319 (VCV001207319.12), dbSNP rs201429668, ClinGen allele CA8330831.
Genomic context (GRCh38, chr17:6,628,692, plus strand): 5'-TCATTGTATGAGTGCTTCAGTTTTTCAATTCTAATGGCATGTGGGCAAGAATATCGGATC[G>A]CCAAGTTGCTTGAATGTGTAGGAACATTCCTATTAAACTGCAGCTGGTTCTTTAAAAAGC-3'
Protein context (NP_055619.2, residues 38-58): RNVPTHSSNL[Ala48Val]IRYSCPHAIR